The following is an entry in ClinVar:

NM_001267550.2(TTN):c.62506C>T (p.Arg20836Ter)

Genes: TTN (titin; minus strand), TTN-AS1 (TTN antisense RNA 1; plus strand). Cytogenetic location: 2q31.2.
Variant type: single nucleotide variant.
Coding change: c.62506C>T on transcript NM_001267550.2 (MANE Select); coding-DNA position 62506, C replaced by T.
Protein change: p.Arg20836Ter; replaces arginine 20836 with a stop codon.
Molecular consequence: nonsense.
Genome position (GRCh38, 1-based): chr2:178,589,219, G>A on the plus strand (C>T on the coding strand, the complement: TTN is on the minus strand). VCF-style: chr2-178589219-G-A. GRCh37 (hg19) VCF-style: chr2-179453946-G-A.
Other names: c.57583C>T, p.Arg19195Ter (NM_001256850.1); c.35311C>T, p.Arg11771Ter (NM_003319.4); c.54802C>T, p.Arg18268Ter (NM_133378.4); c.35686C>T, p.Arg11896Ter (NM_133432.3); c.35887C>T, p.Arg11963Ter (NM_133437.4); c.62506C>T (NM_001267550.1, LRG_391t1); short protein forms R20836*, R11771*, R11896*, R19195*, R11963*, R18268*.
Identifiers: ClinVar variation 223258 (VCV000223258.21), dbSNP rs757231565, ClinGen allele CA090295.

ClinVar aggregate classification (germline): Conflicting classifications of pathogenicity. Review status: criteria provided, conflicting classifications (1 of 4 stars). 6 submissions from 6 submitters: Pathogenic (3); Likely pathogenic (2); Uncertain significance (1). Last evaluated 2026-09-03.

Conditions:
Dilated cardiomyopathy 1G (CMD1G). Identifiers: Orphanet 154, MedGen C1858763, MONDO:0011400, OMIM 604145.
Autosomal recessive limb-girdle muscular dystrophy type 2J (LGMDR10). Also called: MUSCULAR DYSTROPHY, LIMB-GIRDLE, AUTOSOMAL RECESSIVE 10; Limb-girdle muscular dystrophy, type 2J. Identifiers: Orphanet 140922, MedGen C1837342, MONDO:0012127, OMIM 608807.
Cardiovascular phenotype. Identifiers: MedGen CN230736.
Primary dilated cardiomyopathy (DCM). Also called: Dilated Cardiomyopathy. Identifiers: Orphanet 217604, MedGen C0007193, MeSH D002311, MONDO:0005021, HP:0001644. Inheritance: Various modes of inheritance.

Allele frequency attached by ClinVar (database versions not stated): TOPMed 0.00002; ExAC 0.00001.
gnomAD v4.1: 6 of 1,613,436 alleles (0.00037%); highest among the groups gnomAD compares: Non-Finnish European, 0.00042%; no homozygotes.

Submissions (6):

GeneDx
Classification: Pathogenic. Last evaluated: 2026-09-03. Review status: criteria provided, single submitter. Criteria: GeneDx Variant Classification Process June 2021. Collection method: clinical testing. Allele origin: germline.
Comment: Reported in one individual from the Framingham Heart Study offspring cohort, although it is unclear if this individual was affected (PMID: 25589632); Nonsense variant predicted to result in protein truncation or nonsense mediated decay in a gene for which loss of function is a known mechanism of disease; Not observed at significant frequency in large population cohorts (gnomAD); This variant is associated with the following publications: (PMID: 32528171, 25589632, 24575448, 22335739, 32778822)

Institute of Immunology and Genetics Kaiserslautern
Classification: Pathogenic for Dilated cardiomyopathy 1G. Last evaluated: 2025-09-02. Review status: criteria provided, single submitter. Criteria: ACMG Guidelines, 2015. Collection method: clinical testing. Allele origin: germline. Affected: yes.
Comment: ACMG Criteria: PVS1, PM1, PM2, PP5; Variant was found in heterozygous state.

Labcorp Genetics (formerly Invitae), Labcorp
Classification: Pathogenic for Dilated cardiomyopathy 1G; Autosomal recessive limb-girdle muscular dystrophy type 2J. Last evaluated: 2024-12-12. Review status: criteria provided, single submitter. Criteria: Invitae Variant Classification Sherloc (09022015). Collection method: clinical testing. Allele origin: germline.
Comment: This sequence change creates a premature translational stop signal (p.Arg20836*) in the TTN gene. While this is not anticipated to result in nonsense mediated decay, it is expected to create a truncated TTN protein. This variant is present in population databases (rs757231565, gnomAD 0.003%). This premature translational stop signal has been observed in individuals with autosomal dominant dilated cardiomyopathy (internal data). ClinVar contains an entry for this variant (Variation ID: 223258). This variant is located in the A band of TTN (PMID: 25589632). Truncating variants in this region are significantly overrepresented in patients affected with dilated cardiomyopathy (PMID: 25589632). Truncating variants in this region have also been reported in individuals affected with autosomal recessive centronuclear myopathy (PMID: 23975875). For these reasons, this variant has been classified as Pathogenic.

Ambry Genetics
Classification: Likely pathogenic for Cardiovascular phenotype. Last evaluated: 2024-11-07. Review status: criteria provided, single submitter. Criteria: Ambry Variant Classification Scheme 2023. Collection method: clinical testing. Allele origin: germline.
Comment: The p.R11771* variant (also known as c.35311C>T), located in coding exon 131 of the TTN gene, results from a C to T substitution at nucleotide position 35311. This changes the amino acid from an arginine to a stop codon within coding exon 131. This exon is located in the A-band region of the N2-B isoform of the titin protein and is constitutively expressed in TTN transcripts (percent spliced in or PSI 100%). This variant has been reported in the Framingham Heart Study offspring cohort with alternate nomenclature (p.R20836*, c.62506C>T); however, clinical details were limited (Roberts AM et al., Sci Transl Med 2015 Jan; 7(270):270ra6). In addition to the clinical data presented in the literature, this alteration is expected to result in loss of function by premature protein truncation or nonsense-mediated mRNA decay. While truncating variants in TTN are present in 1-3% of the general population, truncating variants in the A-band are the most common cause of dilated cardiomyopathy (DCM) (Herman DS et al. N. Engl. J. Med., 2012 Feb;366:619-28; Roberts AM et al. Sci Transl Med, 2015 Jan;7:270ra6). TTN truncating variants encoded in constitutive exons (PSI >90%) have been found to be significantly associated with DCM regardless of their position in titin (Schafer S et al. Nat. Genet., 2017 01;49:46-53). As such, this alteration is classified as likely pathogenic.

Laboratory for Molecular Medicine, Mass General Brigham Personalized Medicine
Classification: Likely pathogenic for Primary dilated cardiomyopathy. Last evaluated: 2024-03-11. Review status: criteria provided, single submitter. Criteria: ACMG Guidelines, 2015. Collection method: clinical testing. Allele origin: germline. Inheritance: Autosomal dominant inheritance.
Comment: The p.Arg18268X variant in TTN has been reported in 1 individual from the Framingham heart study with an unknown phenotype (Roberts 2015 PMID: 25589632) and by other clinical laboratories in ClinVar (Variation ID 223258). It was absent from large population studies (gnomAD v3.2.1). This nonsense variant leads to a premature termination codon at position 18268, which is predicted to lead to a truncated or absent protein. TTN truncating variants encoded in constitutive exons (PSI >95%) have been found to be significantly associated with dilated cardiomyopathy (DCM) regardless of their position in titin (Roberts 2015 PMID:25589632, Schafer 2017 PMID:27869827). This variant is located in such a highly expressed exon in the A-band. In summary, although additional studies are required to fully establish its clinical significance, this variant meets criteria to be classified as likely pathogenic for autosomal dominant DCM. ACMG/AMP Criteria applied: PVS1, PM2_Supporting.

Cardiovascular Biomedical Research Unit, Royal Brompton & Harefield NHS Foundation Trust
Classification: Uncertain significance for Primary dilated cardiomyopathy. Last evaluated: 2014-10-08. Review status: criteria provided, single submitter. Criteria: Roberts et al. 2015. Collection method: research. Allele origin: germline. Inheritance: Autosomal dominant inheritance. Affected: no. Observed: 1 variant allele. Study: FHS cohort.
Comment: In the seven cohorts assessed, TTNtv were found in 14% of ambulant DCM, 22% end-stage or familial DCM, and 2% controls. Heterozygous nonsense, frameshift and canonical splice-disrupting variants found in constitutive and other highly utilised exons are highly likely to be pathogenic when identified in individuals with phenotypically confirmed DCM. TTNtv found incidentally in healthy individuals (excluding familial assessment of DCM relatives) are thought to have low penetrance, particularly when identified in exons that are not constitutively expressed in the heart.

Literature cited by the submitters: PubMed 25589632 (cited by 3 submitters); PubMed 23975875 (cited by Labcorp Genetics (formerly Invitae), Labcorp); PubMed 27869827 (cited by Laboratory for Molecular Medicine, Mass General Brigham Personalized Medicine).